The following is an entry in ClinVar:

ClinVar aggregate classification (germline): Uncertain significance (1 of 4 stars; one submission).

Conditions:
Long QT syndrome (LQTS). Identifiers: MedGen C0023976, MeSH D008133, MONDO:0002442. Disease mechanism: loss of function. Inheritance: Various modes of inheritance.

gnomAD v4.1: 1 of 1,610,638 alleles (0.000062%); highest among the groups gnomAD compares: Middle Eastern, 0.017%; no homozygotes.

Submission:

Labcorp Genetics (formerly Invitae), Labcorp
Classification: Uncertain significance for Long QT syndrome. Last evaluated: 2023-05-19. Review status: criteria provided, single submitter. Criteria: Invitae Variant Classification Sherloc (09022015). Collection method: clinical testing. Allele origin: germline.
Comment: An algorithm developed to predict the effect of missense changes on protein structure and function (PolyPhen-2) suggests that this variant is likely to be tolerated. This sequence change replaces alanine, which is neutral and non-polar, with serine, which is neutral and polar, at codon 869 of the AKAP9 protein (p.Ala869Ser). This variant is not present in population databases (gnomAD no frequency). This variant has not been reported in the literature in individuals affected with AKAP9-related conditions. In summary, the available evidence is currently insufficient to determine the role of this variant in disease. Therefore, it has been classified as a Variant of Uncertain Significance.

NM_005751.5(AKAP9):c.2605G>T (p.Ala869Ser)

Gene: AKAP9 (A-kinase anchoring protein 9; plus strand). Cytogenetic location: 7q21.2.
Variant type: single nucleotide variant.
Coding change: c.2605G>T on transcript NM_005751.5 (MANE Select); coding-DNA position 2605, G replaced by T.
Protein change: p.Ala869Ser; replaces alanine 869 with serine.
Molecular consequence: missense variant.
Genome position (GRCh38, 1-based): chr7:92,002,522, G>T. VCF-style: chr7-92002522-G-T. GRCh37 (hg19) VCF-style: chr7-91631836-G-T.
Other names: c.2605G>T, p.Ala869Ser (NM_147185.3); short protein forms A869S.
Identifiers: ClinVar variation 2985854 (VCV002985854.3), dbSNP rs1562961795, ClinGen allele CA368124514.
Genomic context (GRCh38, chr7:92,002,522, plus strand): 5'-ACTTTTTCATTTGCTGAAAAAAACTTTGAAGTTAACTATCAAGAGTTACAAGAGGAGTAT[G>T]CTTGCCTTCTCAAAGTAAAAGATGATTTAGAAGACAGTAAAAATAAACAGGAATTAGAGT-3'
Protein context (NP_005742.4, residues 859-879): VNYQELQEEY[Ala869Ser]CLLKVKDDLE